The following is an entry in ClinVar:

ClinVar aggregate classification (germline): Uncertain significance. Review status: criteria provided, single submitter (1 of 4 stars). 2 submissions from 2 submitters: Uncertain significance (1). 1 of the submissions does not count toward it. Last evaluated 2021-08-13.

Conditions:
Chronic granulomatous disease. Identifiers: Orphanet 379, MedGen C0018203, MONDO:0018305.
Granulomatous disease, chronic, autosomal recessive, cytochrome b-negative. Also called: Chronic granulomatous disease, autosomal, due to deficiency of CYBA; CGD DUE TO DEFICIENCY OF THE ALPHA SUBUNIT OF CYTOCHROME b; CGD, AUTOSOMAL RECESSIVE CYTOCHROME b-NEGATIVE; CYBA DEFICIENCY; GRANULOMATOUS DISEASE, CHRONIC, AUTOSOMAL RECESSIVE, 4. Identifiers: Orphanet 379, MedGen C1856255, MONDO:0009308, OMIM 233690.

Allele frequency attached by ClinVar (database versions not stated): gnomAD exomes below 0.00001.
gnomAD v4.1: 2 of 1,613,898 alleles (0.00012%); highest among the groups gnomAD compares: Admixed American, 0.0017%; no homozygotes.

Submissions (2):

Labcorp Genetics (formerly Invitae), Labcorp
Classification: Uncertain significance for Granulomatous disease, chronic, autosomal recessive, cytochrome b-negative. Last evaluated: 2021-08-13. Review status: criteria provided, single submitter. Criteria: Invitae Variant Classification Sherloc (09022015). Collection method: clinical testing. Allele origin: germline.
Comment: This sequence change replaces asparagine with serine at codon 86 of the CYBA protein (p.Asn86Ser). The asparagine residue is highly conserved and there is a small physicochemical difference between asparagine and serine. This variant is not present in population databases (ExAC no frequency). This variant has not been reported in the literature in individuals affected with CYBA-related conditions. Algorithms developed to predict the effect of missense changes on protein structure and function are either unavailable or do not agree on the potential impact of this missense change (SIFT: "Tolerated"; PolyPhen-2: "Probably Damaging"; Align-GVGD: "Class C0"). In summary, the available evidence is currently insufficient to determine the role of this variant in disease. Therefore, it has been classified as a Variant of Uncertain Significance.

Natera, Inc.
Classification: Uncertain significance for Chronic granulomatous disease. Last evaluated: 2021-03-05. Review status: no assertion criteria provided. Collection method: clinical testing. Allele origin: germline. Not counted in ClinVar's aggregate classification.

NM_000101.4(CYBA):c.257A>G (p.Asn86Ser)

Gene: CYBA (cytochrome b-245 alpha chain; minus strand). Cytogenetic location: 16q24.2.
Variant type: single nucleotide variant.
Coding change: c.257A>G on transcript NM_000101.4 (MANE Select); coding-DNA position 257, A replaced by G.
Protein change: p.Asn86Ser; replaces asparagine 86 with serine.
Molecular consequence: missense variant.
Genome position (GRCh38, 1-based): chr16:88,646,785, T>C on the plus strand (A>G on the coding strand, the complement: CYBA is on the minus strand). VCF-style: chr16-88646785-T-C. GRCh37 (hg19) VCF-style: chr16-88713193-T-C.
Other names: short protein forms N86S.
Identifiers: ClinVar variation 935492 (VCV000935492.8), dbSNP rs1907301134, ClinGen allele CA397064416.